The following is an entry in ClinVar:

ClinVar aggregate classification (germline): Uncertain significance (1 of 4 stars; one submission).

Conditions:
Charcot-Marie-Tooth disease axonal type 2O. Also called: CHARCOT-MARIE-TOOTH NEUROPATHY, AXONAL, TYPE 2O; CHARCOT-MARIE-TOOTH DISEASE, AXONAL, AUTOSOMAL DOMINANT, TYPE 2O; Charcot-Marie-Tooth Neuropathy Type 2O; Charcot-Marie-Tooth disease, axonal, type 20. Identifiers: Orphanet 284232, MedGen C3280220, MONDO:0013644, OMIM 614228.

Submission:

Labcorp Genetics (formerly Invitae), Labcorp
Classification: Uncertain significance for Charcot-Marie-Tooth disease axonal type 2O. Last evaluated: 2024-01-11. Review status: criteria provided, single submitter. Criteria: Invitae Variant Classification Sherloc (09022015). Collection method: clinical testing. Allele origin: germline.
Comment: This variant, c.9087_9088delinsTT, is a complex sequence change that results in the deletion of 2 and insertion of 2 amino acid(s) in the DYNC1H1 protein (p.Leu3029_Met3030delinsPheLeu). Information on the frequency of this variant in the gnomAD database is not available, as this variant may be reported differently in the database. This variant has not been reported in the literature in individuals affected with DYNC1H1-related conditions. Experimental studies and prediction algorithms are not available or were not evaluated, and the functional significance of this variant is currently unknown. In summary, the available evidence is currently insufficient to determine the role of this variant in disease. Therefore, it has been classified as a Variant of Uncertain Significance.

NM_001376.5(DYNC1H1):c.9087_9088delinsTT (p.Leu3029_Met3030delinsPheLeu)

Genes: DYNC1H1 (dynein cytoplasmic 1 heavy chain 1; plus strand), LOC126862060 (BRD4-independent group 4 enhancer GRCh37_chr14:102493659-102494858; plus strand). Cytogenetic location: 14q32.31.
Variant type: Indel.
Coding change: c.9087_9088delinsTT on transcript NM_001376.5 (MANE Select); coding-DNA positions 9087 to 9088, GA replaced by TT.
Protein change: p.Leu3029_Met3030delinsPheLeu.
Molecular consequence: missense variant.
Genome position (GRCh38, 1-based): chr14:102,027,657-102,027,658, GA replaced by TT. VCF-style: chr14-102027657-GA-TT. GRCh37 (hg19) VCF-style: chr14-102493994-GA-TT.
Identifiers: ClinVar variation 2708929 (VCV002708929.3), dbSNP rs2503804963, ClinGen allele CA2697554209.